The following is an entry in ClinVar:

ClinVar aggregate classification (germline): Benign (1 of 4 stars; one submission).

Conditions:
Familial adenomatous polyposis 1 (FAP1). Also called: POLYPOSIS, ADENOMATOUS INTESTINAL; FAMILIAL ADENOMATOUS POLYPOSIS 1, ATTENUATED. Identifiers: MedGen C2713442, MONDO:0021056, OMIM 175100. Disease mechanism: loss of function.

Submission:

Myriad Genetics, Inc.
Classification: Benign for Familial adenomatous polyposis 1. Last evaluated: 2024-03-28. Review status: criteria provided, single submitter. Criteria: Myriad Autosomal Dominant, Autosomal Recessive and X-Linked Classification Criteria (2023). Collection method: clinical testing. Allele origin: unknown.
Comment: This variant is considered benign. This variant is a silent/synonymous amino acid change and it is not expected to impact splicing.

NM_000038.6(APC):c.4986C>A (p.Ile1662=)

Gene: APC (APC regulator of Wnt signaling pathway; plus strand). Cytogenetic location: 5q22.2.
Variant type: single nucleotide variant.
Coding change: c.4986C>A on transcript NM_000038.6 (MANE Select); coding-DNA position 4986, C replaced by A.
Protein change: p.Ile1662=; no amino-acid change (isoleucine 1662 retained).
Molecular consequence: synonymous variant. On other transcripts: non-coding transcript variant (2).
Genome position (GRCh38, 1-based): chr5:112,840,580, C>A. VCF-style: chr5-112840580-C-A. GRCh37 (hg19) VCF-style: chr5-112176277-C-A.
Other names: c.4986C>A, p.Ile1662= (NM_001127510.3, NM_001354895.2, NM_001407450.1); c.4932C>A, p.Ile1644= (NM_001127511.3); c.5040C>A, p.Ile1680= (NM_001354896.2, NM_001407447.1, NM_001407448.1 and 1 more transcripts); c.5016C>A, p.Ile1672= (NM_001354897.2); c.4911C>A, p.Ile1637= (NM_001354898.2); c.4902C>A, p.Ile1634= (NM_001354899.2); c.4863C>A, p.Ile1621= (NM_001354900.2); c.4809C>A, p.Ile1603= (NM_001354901.2, NM_001407453.1); and 11 more.
Identifiers: ClinVar variation 3148131 (VCV003148131.1), dbSNP rs876658910, ClinGen allele CA446208742.
Genomic context (GRCh38, chr5:112,840,580, plus strand): 5'-TTGTGTTGAAGGGACACCTATAAACTTTTCCACAGCTACATCTCTAAGTGATCTAACAAT[C>A]GAATCCCCTCCAAATGAGTTAGCTGCTGGAGAAGGAGTTAGAGGAGGGGCACAGTCAGGT-3'
Protein context (NP_000029.2, residues 1652-1672): STATSLSDLT[Ile1662=]ESPPNELAAG